The following is an entry in ClinVar:

ClinVar aggregate classification (germline): Conflicting classifications of pathogenicity. Review status: criteria provided, conflicting classifications (1 of 4 stars). 3 submissions from 3 submitters: Pathogenic (1); Likely pathogenic (1); Uncertain significance (1). Last evaluated 2025-07-28.

Conditions:
Infantile neuroaxonal dystrophy (NBIA2A). Also called: Infantile neuroaxonal dystrophy 1; NEURODEGENERATION WITH BRAIN IRON ACCUMULATION 2A; SEITELBERGER DISEASE. Identifiers: Orphanet 35069, MedGen C0270724, MONDO:0024457, OMIM 256600.

gnomAD v4.1: 8 of 1,561,914 alleles (0.00051%); highest among the groups gnomAD compares: East Asian, 0.0024%; no homozygotes.

Submissions (3):

Labcorp Genetics (formerly Invitae), Labcorp
Classification: Pathogenic for Infantile neuroaxonal dystrophy. Last evaluated: 2025-07-28. Review status: criteria provided, single submitter. Criteria: Invitae Variant Classification Sherloc (09022015). Collection method: clinical testing. Allele origin: germline.
Comment: This sequence change replaces valine, which is neutral and non-polar, with methionine, which is neutral and non-polar, at codon 323 of the PLA2G6 protein (p.Val323Met). The frequency data for this variant in the population databases is considered unreliable, as metrics indicate poor data quality at this position in the gnomAD database. This missense change has been observed in individual(s) with PLA2G6-related conditions (PMID: 32613234, 35624904, 35911906, 37453004). In at least one individual the data is consistent with being in trans (on the opposite chromosome) from a pathogenic variant. ClinVar contains an entry for this variant (Variation ID: 2581741). Invitae Evidence Modeling of protein sequence and biophysical properties (such as structural, functional, and spatial information, amino acid conservation, physicochemical variation, residue mobility, and thermodynamic stability) indicates that this missense variant is not expected to disrupt PLA2G6 protein function with a negative predictive value of 80%. For these reasons, this variant has been classified as Pathogenic.

GeneDx
Classification: Likely pathogenic. Last evaluated: 2023-09-15. Review status: criteria provided, single submitter. Criteria: GeneDx Variant Classification Process June 2021. Collection method: clinical testing. Allele origin: germline. Affected: yes.
Comment: In silico analysis supports that this missense variant does not alter protein structure/function; Not observed at significant frequency in large population cohorts (gnomAD); This variant is associated with the following publications: (PMID: 35911906, 35624904)

Neuberg Centre For Genomic Medicine, NCGM
Classification: Uncertain significance for Infantile neuroaxonal dystrophy. Review status: criteria provided, single submitter. Criteria: ACMG Guidelines, 2015. Collection method: clinical testing. Allele origin: germline. Inheritance: Autosomal recessive inheritance. Affected: yes.
Comment: The missense c.967G>A (p.Val323Met) variant in PLA2G6 gene has been reported previously in compound heteroygous state in one individual with PLA2G6-associated neurodegeneration (Wan et al. 2022). The p.Val323Met is reported with an allele frequency of 0.0006% in the gnomAD exomes database and is novel (not in any individuals) in 1000 Genomes database. This variant has not been reported to the ClinVar database. The amino acid change p.Val323Met in PLA2G6 is predicted as conserved by GERP++ and PhyloP across 100 vertebrates. The amino acid Val at position 323 is changed to a Met changing protein sequence and it might alter its composition and physico-chemical properties. For these reasons, this variant has been classified as a Variant of Uncertain Significance (VUS).

Literature cited by the submitters: PubMed 32613234 (cited by Labcorp Genetics (formerly Invitae), Labcorp); PubMed 35624904 (cited by Labcorp Genetics (formerly Invitae), Labcorp); PubMed 35911906 (cited by Labcorp Genetics (formerly Invitae), Labcorp); PubMed 37453004 (cited by Labcorp Genetics (formerly Invitae), Labcorp).

NM_003560.4(PLA2G6):c.967G>A (p.Val323Met)

Gene: PLA2G6 (phospholipase A2 group VI; minus strand). Cytogenetic location: 22q13.1.
Variant type: single nucleotide variant.
Coding change: c.967G>A on transcript NM_003560.4 (MANE Select); coding-DNA position 967, G replaced by A.
Protein change: p.Val323Met; replaces valine 323 with methionine.
Molecular consequence: missense variant.
Genome position (GRCh38, 1-based): chr22:38,132,941, C>T on the plus strand (G>A on the coding strand, the complement: PLA2G6 is on the minus strand). VCF-style: chr22-38132941-C-T. GRCh37 (hg19) VCF-style: chr22-38528948-C-T.
Other names: c.967G>A, p.Val323Met (NM_001004426.3, NM_001199562.3, NM_001349864.2 and 2 more transcripts); c.433G>A, p.Val145Met (NM_001349867.2, NM_001349869.2); c.289G>A, p.Val97Met (NM_001349868.2); short protein forms V145M, V323M, V97M.
Identifiers: ClinVar variation 2581741 (VCV002581741.5), dbSNP rs1456513786, ClinGen allele CA411530829.